The following is an entry in ClinVar:

ClinVar aggregate classification (germline): Uncertain significance (1 of 4 stars; one submission).

Submission:

Labcorp Genetics (formerly Invitae), Labcorp
Classification: Uncertain significance. Last evaluated: 2024-08-29. Review status: criteria provided, single submitter. Criteria: Invitae Variant Classification Sherloc (09022015). Collection method: clinical testing. Allele origin: germline.
Comment: This sequence change replaces alanine, which is neutral and non-polar, with serine, which is neutral and polar, at codon 125 of the SLC16A1 protein (p.Ala125Ser). This variant is not present in population databases (gnomAD no frequency). This variant has not been reported in the literature in individuals affected with SLC16A1-related conditions. An algorithm developed to predict the effect of missense changes on protein structure and function outputs the following: PolyPhen-2: "Benign". The serine amino acid residue is found in multiple mammalian species, which suggests that this missense change does not adversely affect protein function. In summary, the available evidence is currently insufficient to determine the role of this variant in disease. Therefore, it has been classified as a Variant of Uncertain Significance.

NM_003051.4(SLC16A1):c.373G>T (p.Ala125Ser)

Gene: SLC16A1 (solute carrier family 16 member 1; minus strand). Cytogenetic location: 1p13.2.
Variant type: single nucleotide variant.
Coding change: c.373G>T on transcript NM_003051.4 (MANE Select); coding-DNA position 373, G replaced by T.
Protein change: p.Ala125Ser; replaces alanine 125 with serine.
Molecular consequence: missense variant.
Genome position (GRCh38, 1-based): chr1:112,918,033, C>A on the plus strand (G>T on the coding strand, the complement: SLC16A1 is on the minus strand). VCF-style: chr1-112918033-C-A. GRCh37 (hg19) VCF-style: chr1-113460655-C-A.
Other names: c.373G>T, p.Ala125Ser (NM_001166496.2); short protein forms A125S.
Identifiers: ClinVar variation 3675897 (VCV003675897.2).